The following is an entry in ClinVar:

ClinVar aggregate classification (germline): Uncertain significance. Review status: criteria provided, multiple submitters, no conflicts (2 of 4 stars). 2 submissions from 2 submitters: Uncertain significance (2). Last evaluated 2025-02-05.

Conditions:
Cardiovascular phenotype. Identifiers: MedGen CN230736.
RASopathy. Also called: rasopathies; Noonan spectrum disorder. Identifiers: Orphanet 536391, MedGen C5555857, MONDO:0021060.

Allele frequency attached by ClinVar (database versions not stated): ExAC 0.00003.
gnomAD v4.1: 11 of 1,606,278 alleles (0.00068%); highest among the groups gnomAD compares: South Asian, 0.012%; no homozygotes.

Submissions (2):

Labcorp Genetics (formerly Invitae), Labcorp
Classification: Uncertain significance for RASopathy. Last evaluated: 2025-02-05. Review status: criteria provided, single submitter. Criteria: Invitae Variant Classification Sherloc (09022015). Collection method: clinical testing. Allele origin: germline.
Comment: This sequence change replaces proline, which is neutral and non-polar, with arginine, which is basic and polar, at codon 291 of the MAP2K2 protein (p.Pro291Arg). This variant is present in population databases (rs752436529, gnomAD 0.01%). This variant has not been reported in the literature in individuals affected with MAP2K2-related conditions. ClinVar contains an entry for this variant (Variation ID: 1718640). Invitae Evidence Modeling of protein sequence and biophysical properties (such as structural, functional, and spatial information, amino acid conservation, physicochemical variation, residue mobility, and thermodynamic stability) indicates that this missense variant is not expected to disrupt MAP2K2 protein function with a negative predictive value of 95%. In summary, the available evidence is currently insufficient to determine the role of this variant in disease. Therefore, it has been classified as a Variant of Uncertain Significance.

Ambry Genetics
Classification: Uncertain significance for Cardiovascular phenotype. Last evaluated: 2022-07-06. Review status: criteria provided, single submitter. Criteria: Ambry Variant Classification Scheme 2023. Collection method: clinical testing. Allele origin: germline.
Comment: The p.P291R variant (also known as c.872C>G), located in coding exon 7 of the MAP2K2 gene, results from a C to G substitution at nucleotide position 872. The proline at codon 291 is replaced by arginine, an amino acid with dissimilar properties. This amino acid position is conserved. In addition, this alteration is predicted to be tolerated by in silico analysis. Since supporting evidence is limited at this time, the clinical significance of this alteration remains unclear.

NM_030662.4(MAP2K2):c.872C>G (p.Pro291Arg)

Gene: MAP2K2 (mitogen-activated protein kinase kinase 2; minus strand). Cytogenetic location: 19p13.3.
Variant type: single nucleotide variant.
Coding change: c.872C>G on transcript NM_030662.4 (MANE Select); coding-DNA position 872, C replaced by G.
Protein change: p.Pro291Arg; replaces proline 291 with arginine.
Molecular consequence: missense variant.
Genome position (GRCh38, 1-based): chr19:4,099,248, G>C on the plus strand (C>G on the coding strand, the complement: MAP2K2 is on the minus strand). VCF-style: chr19-4099248-G-C. GRCh37 (hg19) VCF-style: chr19-4099246-G-C.
Other names: short protein forms P291R.
Identifiers: ClinVar variation 1718640 (VCV001718640.7), dbSNP rs752436529, ClinGen allele CA9090809.
Genomic context (GRCh38, chr19:4,099,248, plus strand): 5'-ATTCAGGCCGTACCGCTGACGGGGCGCCCGGGGGGCCTCGGCCGAGGCGAGATGCTGTGA[G>C]GCTCTCCTTCTTCCCCGTCGACCACGGGCCGGCCAAAGATGGCCTCCAGCTCTTTGGCGT-3'
Protein context (NP_109587.1, residues 281-301): RPVVDGEEGE[Pro291Arg]HSISPRPRPP